The following is an entry in ClinVar:

NC_000019.9:g.(?_54625219)_(54632765_?)dup

Gene: PRPF31 (pre-mRNA processing factor 31; plus strand). Cytogenetic location: 19q13.42.
Variant type: Duplication.
Identifiers: ClinVar variation 1520467 (VCV001520467.7).

ClinVar aggregate classification (germline): Likely pathogenic (1 of 4 stars; one submission).

Submission:

Labcorp Genetics (formerly Invitae), Labcorp
Classification: Likely pathogenic. Last evaluated: 2023-05-08. Review status: criteria provided, single submitter. Criteria: Invitae Variant Classification Sherloc (09022015). Collection method: clinical testing. Allele origin: germline.
Comment: In summary, the currently available evidence indicates that the variant is pathogenic, but additional data are needed to prove that conclusively. Therefore, this variant has been classified as Likely Pathogenic. Experimental studies and prediction algorithms are not available or were not evaluated, and the functional significance of this variant is currently unknown. A similar copy number variant has been observed in individual(s) with inherited retinal dystrophy (Invitae). This variant results in a copy number gain of the genomic region encompassing exon(s) 4-13 of the PRPF31 gene. While the exact position of this variant cannot be determined from the data, sub-genic copy number gains are generally in tandem (PMID: 25640679). This variant is predicted to be out-of-frame, and may result in an absent or disrupted protein product. Loss-of-function variants in PRPF31 are known to be pathogenic (PMID: 18317597, 23950152).

Literature cited by the submitters: PubMed 25640679; PubMed 18317597; PubMed 23950152.